The following is an entry in ClinVar:

ClinVar aggregate classification (germline): Pathogenic/Likely pathogenic. Review status: criteria provided, multiple submitters, no conflicts (2 of 4 stars). 2 submissions from 2 submitters: Pathogenic (1); Likely pathogenic (1). Last evaluated 2023-02-23.

Conditions:
Pyruvate dehydrogenase E3-binding protein deficiency (PDHXD). Also called: LACTIC ACIDEMIA DUE TO DEFECT IN LIPOYL-CONTAINING COMPONENT X OF THE PYRUVATE DEHYDROGENASE COMPLEX; E3-Binding Protein (Component X) Deficiency; Lacticacidemia due to PDX1 deficiency; PYRUVATE HYDROGENASE E3-BINDING PROTEIN DEFICIENCY. Identifiers: Orphanet 255182, MedGen C1855553, MONDO:0009503, OMIM 245349.

Submissions (2):

3billion
Classification: Pathogenic for Pyruvate dehydrogenase E3-binding protein deficiency. Last evaluated: 2023-02-23. Review status: criteria provided, single submitter. Criteria: ACMG Guidelines, 2015. Collection method: clinical testing. Allele origin: unknown. Affected: yes.
Comment: The variant is not observed in the gnomAD v2.1.1 dataset. This variant was predicted to result in a loss or disruption of normal protein function through nonsense-mediated decay (NMD) or protein truncation. Multiple pathogenic variants are reported downstream of the variant. Therefore, this variant is classified as Pathogenic according to the recommendation of ACMG/AMP guideline.

Broad Center for Mendelian Genomics, Broad Institute of MIT and Harvard
Classification: Likely pathogenic for Pyruvate dehydrogenase E3-binding protein deficiency. Last evaluated: 2023-01-25. Review status: criteria provided, single submitter. Criteria: ACMG Guidelines, 2015. Collection method: curation. Allele origin: germline. Inheritance: Autosomal recessive inheritance.
Comment: The p.Pro186GlnfsTer37 variant in PDHX has not been previously identified in individuals with pyruvate dehydrogenase E3-binding protein deficiency. This variant was absent from large population studies. This variant is predicted to cause a frameshift, which alters the protein‚Äôs amino acid sequence beginning at position 186 and leads to a premature termination codon 37 amino acids downstream. This alteration is then predicted to lead to a truncated or absent protein. Loss of function of the PDHX gene is strongly associated to autosomal recessive pyruvate dehydrogenase E3-binding protein deficiency. In summary, although additional studies are required to fully establish its clinical significance, this variant is likely pathogenic for autosomal recessive pyruvate dehydrogenase E3-binding protein deficiency. ACMG/AMP Criteria applied: PVS1_Strong, PM2_Supporting, PM3_Supporting (Richards 2015).

NM_003477.3(PDHX):c.557del (p.Pro186fs)

Gene: PDHX (pyruvate dehydrogenase complex component X; plus strand). Cytogenetic location: 11p13.
Variant type: Deletion.
Coding change: c.557del on transcript NM_003477.3 (MANE Select); coding-DNA position 557, one base deleted (C; older notation c.557delC).
Protein change: p.Pro186fs; shifts the reading frame from proline 186.
Molecular consequence: frameshift variant. On other transcripts: intron variant (1).
Genome position (GRCh38, 1-based): chr11:34,960,434, C deleted; the last of 2 consecutive C bases (chr11:34,960,433-34,960,434); deleting either gives the same sequence. VCF-style (leftmost placement, unchanged base first): chr11-34960432-TC-T. GRCh37 (hg19) VCF-style: chr11-34981979-TC-T.
Other names: NM_001166158.2:c.342+12828del; c.377del, p.Pro126fs (NM_001135024.2); c.342+12828del (NM_001166158.2); short protein forms P126fs, P186fs.
Identifiers: ClinVar variation 2412719 (VCV002412719.2), dbSNP rs2494708862, ClinGen allele CA2573332449.